The following is an entry in ClinVar:

NM_000059.4(BRCA2):c.215del (p.Asn72fs)

Gene: BRCA2 (BRCA2 DNA repair associated; plus strand). Cytogenetic location: 13q13.1.
Variant type: Deletion.
Coding change: c.215del on transcript NM_000059.4 (MANE Select); coding-DNA position 215, one base deleted (A; older notation c.215delA).
Protein change: p.Asn72fs; shifts the reading frame from asparagine 72.
Molecular consequence: frameshift variant. On other transcripts: 5 prime UTR variant (1), non-coding transcript variant (1).
Genome position (GRCh38, 1-based): chr13:32,319,224, A deleted; the last of 2 consecutive A bases (chr13:32,319,223-32,319,224); deleting either gives the same sequence. VCF-style (leftmost placement, unchanged base first): chr13-32319222-TA-T. GRCh37 (hg19) VCF-style: chr13-32893359-TA-T.
Other names: c.215del, p.Asn72fs (NM_001406719.1, NM_001406720.1, NM_001406721.1); c.-155del (NM_001406722.1); short protein forms N72fs.
Identifiers: ClinVar variation 2674521 (VCV002674521.1), dbSNP rs2548511361, ClinGen allele CA2695199259.
Genomic context (GRCh38, chr13:32,319,222, plus strand): 5'-ACATAAAAACAACAATTACGAACCAAACCTATTTAAAACTCCACAAAGGAAACCATCTTA[TA>T]ATCAGCTGGCTTCAACTCCAATAATATTCAAAGAGCAAGGGCTGACTCTGCCGCTGTACC-3'

ClinVar aggregate classification (germline): Pathogenic (1 of 4 stars; one submission).

Conditions:
Breast-ovarian cancer, familial, susceptibility to, 2 (BROVCA2). Also called: BRCA2 Hereditary Breast and Ovarian Cancer. Identifiers: Orphanet 145, MedGen C2675520, MONDO:0012933, OMIM 612555. Disease mechanism: loss of function.

Submission:

Myriad Genetics, Inc.
Classification: Pathogenic for Breast-ovarian cancer, familial, susceptibility to, 2. Last evaluated: 2023-08-22. Review status: criteria provided, single submitter. Criteria: Myriad Autosomal Dominant, Autosomal Recessive and X-Linked Classification Criteria (2023). Collection method: clinical testing. Allele origin: unknown.
Comment: This variant is considered pathogenic. This variant creates a frameshift predicted to result in premature protein truncation.